The following is an entry in ClinVar:

ClinVar aggregate classification (germline): Likely pathogenic (1 of 4 stars; one submission).

Submission:

GeneDx
Classification: Likely pathogenic. Last evaluated: 2017-07-27. Review status: criteria provided, single submitter. Criteria: GeneDx Variant Classification (06012015). Collection method: clinical testing. Allele origin: germline. Affected: yes.
Comment: A variant that is likely pathogenic has been identified in the SCN1A gene. The c.5299delG likelypathogenic variant has not been published as a pathogenic variant, nor has it been reported as a benignvariant to our knowledge. It is not observed in large population cohorts (Lek et al., 2016; 1000Genomes Consortium et al., 2015; Exome Variant Server). The c.5299delG likely pathogenic variantcauses a frameshift starting with codon Valine 1767, changes this amino acid to a Serine residue andcreates a premature Stop codon at position 12 of the new reading frame, denoted p.Val1767SerfsX12.This likely pathogenic variant is predicted to cause loss of normal protein function through proteintruncation as the last 243 amino acids are replaced with 11 aberrant residues. Therefore, this variant islikely pathogenic; however, the possibility that it is benign cannot be excluded.

NM_001165963.4(SCN1A):c.5299del (p.Val1767fs)

Genes: SCN1A (sodium voltage-gated channel alpha subunit 1; minus strand), LOC102724058 (uncharacterized LOC102724058; plus strand). Cytogenetic location: 2q24.3.
Variant type: Deletion.
Coding change: c.5299del on transcript NM_001165963.4 (MANE Select); coding-DNA position 5299, one base deleted (G; older notation c.5299delG).
Protein change: p.Val1767fs; shifts the reading frame from valine 1767.
Molecular consequence: frameshift variant. On other transcripts: non-coding transcript variant (1).
Genome position (GRCh38, 1-based): chr2:165,991,976, C deleted on the plus strand (G on the coding strand, the reverse complement: SCN1A is on the minus strand). VCF-style (leftmost placement, unchanged base first): chr2-165991975-AC-A. GRCh37 (hg19) VCF-style: chr2-166848485-AC-A.
Other names: c.5215del, p.Val1739fs (NM_001165964.3, NM_001353957.2, NM_001353958.2); c.5299del, p.Val1767fs (NM_001202435.3, NM_001353948.2); c.5266del, p.Val1756fs (NM_001353949.2, NM_001353950.2, NM_001353951.2 and 2 more transcripts); c.5263del, p.Val1755fs (NM_001353954.2, NM_001353955.2); c.5212del, p.Val1738fs (NM_001353960.2); c.2857del, p.Val953fs (NM_001353961.2); short protein forms V953fs, V1738fs, V1739fs, V1767fs, V1756fs, V1755fs.
Identifiers: ClinVar variation 450958 (VCV000450958.2), dbSNP rs1553520197, ClinGen allele CA658657092.